The following is an entry in ClinVar:

ClinVar aggregate classification (germline): Uncertain significance. Review status: criteria provided, single submitter (1 of 4 stars). 3 submissions from 3 submitters: Uncertain significance (1). 2 of the submissions do not count toward it. Last evaluated 2025-08-29.

Conditions:
Jeune thoracic dystrophy. Also called: Jeune syndrome; Infantile thoracic dystrophy; Thoracic pelvic phalangeal dystrophy; Jeune's syndrome; Chondroectodermal dysplasia-like syndrome; Short-rib thoracic dysplasia. Identifiers: Orphanet 474, MedGen C0265275, MONDO:0018770.

Allele frequency attached by ClinVar (database versions not stated): ExAC 0.00004; gnomAD exomes 0.00004; ESP Exome Variant Server 0.00015; 1000 Genomes Project 30x 0.00016; 1000 Genomes Project 0.00020; TOPMed 0.00021; gnomAD 0.00027 and 0.00029.
gnomAD v4.1: 99 of 1,613,886 alleles (0.0061%); highest among the groups gnomAD compares: African/African-American, 0.1%; no homozygotes.

Submissions (3):

Labcorp Genetics (formerly Invitae), Labcorp
Classification: Uncertain significance. Last evaluated: 2025-08-29. Review status: criteria provided, single submitter. Criteria: Invitae Variant Classification Sherloc (09022015). Collection method: clinical testing. Allele origin: germline.
Comment: This sequence change replaces arginine, which is basic and polar, with histidine, which is basic and polar, at codon 543 of the INTU protein (p.Arg543His). This variant is present in population databases (rs34027211, gnomAD 0.06%), and has an allele count higher than expected for a pathogenic variant. This missense change has been observed in individual(s) with asphyxiating thoracic dystrophy (PMID: 29068549). ClinVar contains an entry for this variant (Variation ID: 446689). Invitae Evidence Modeling of protein sequence and biophysical properties (such as structural, functional, and spatial information, amino acid conservation, physicochemical variation, residue mobility, and thermodynamic stability) indicates that this missense variant is not expected to disrupt INTU protein function with a negative predictive value of 80%. In summary, the available evidence is currently insufficient to determine the role of this variant in disease. Therefore, it has been classified as a Variant of Uncertain Significance.

Dan Cohn Lab, University Of California Los Angeles
Classification: Uncertain significance for Asphyxiating thoracic dystrophy. Last evaluated: 2017-06-01. Review status: no assertion criteria provided. Collection method: research. Allele origin: unknown. Affected: yes. Not counted in ClinVar's aggregate classification.

University of Washington Center for Mendelian Genomics, University of Washington
Classification: Likely pathogenic for asphyxiating thoracic dystrophy. Review status: no assertion criteria provided. Collection method: research. Allele origin: inherited. Affected: yes. Not counted in ClinVar's aggregate classification.

Literature cited by the submitters: PubMed 29068549 (cited by 3 submitters).

NM_015693.4(INTU):c.1628G>A (p.Arg543His)

Gene: INTU (inturned planar cell polarity protein; plus strand). Cytogenetic location: 4q28.1.
Variant type: single nucleotide variant.
Coding change: c.1628G>A on transcript NM_015693.4 (MANE Select); coding-DNA position 1628, G replaced by A.
Protein change: p.Arg543His; replaces arginine 543 with histidine.
Molecular consequence: missense variant.
Genome position (GRCh38, 1-based): chr4:127,705,652, G>A. VCF-style: chr4-127705652-G-A. GRCh37 (hg19) VCF-style: chr4-128626807-G-A.
Other names: short protein forms R543H.
Identifiers: ClinVar variation 446689 (VCV000446689.4), dbSNP rs34027211, ClinGen allele CA3075153.